The following is an entry in ClinVar:

ClinVar aggregate classification (germline): Uncertain significance (1 of 4 stars; one submission).

Conditions:
Arrhythmogenic right ventricular dysplasia 9 (ARVD9). Also called: Arrhythmogenic Right Ventricular Dysplasia/Cardiomyopathy 9; ARRHYTHMOGENIC RIGHT VENTRICULAR DYSPLASIA, FAMILIAL, 9. Identifiers: MedGen C1836906, MONDO:0012180, OMIM 609040.

Submission:

Labcorp Genetics (formerly Invitae), Labcorp
Classification: Uncertain significance for Arrhythmogenic right ventricular dysplasia 9. Last evaluated: 2024-07-08. Review status: criteria provided, single submitter. Criteria: Invitae Variant Classification Sherloc (09022015). Collection method: clinical testing. Allele origin: germline.
Comment: This sequence change replaces serine, which is neutral and polar, with cysteine, which is neutral and slightly polar, at codon 371 of the PKP2 protein (p.Ser371Cys). This variant is not present in population databases (gnomAD no frequency). This variant has not been reported in the literature in individuals affected with PKP2-related conditions. Algorithms developed to predict the effect of missense changes on protein structure and function output the following: SIFT: "Not Available"; PolyPhen-2: "Benign"; Align-GVGD: "Not Available". The cysteine amino acid residue is found in multiple mammalian species, which suggests that this missense change does not adversely affect protein function. In summary, the available evidence is currently insufficient to determine the role of this variant in disease. Therefore, it has been classified as a Variant of Uncertain Significance.

NM_001005242.3(PKP2):c.1112C>G (p.Ser371Cys)

Gene: PKP2 (plakophilin 2; minus strand). Cytogenetic location: 12p11.21.
Variant type: single nucleotide variant.
Coding change: c.1112C>G on transcript NM_001005242.3 (MANE Select); coding-DNA position 1112, C replaced by G.
Protein change: p.Ser371Cys; replaces serine 371 with cysteine.
Molecular consequence: missense variant.
Genome position (GRCh38, 1-based): chr12:32,868,985, G>C on the plus strand (C>G on the coding strand, the complement: PKP2 is on the minus strand). VCF-style: chr12-32868985-G-C. GRCh37 (hg19) VCF-style: chr12-33021919-G-C.
Other names: c.1112C>G, p.Ser371Cys (NM_001407155.1, NM_001407156.1, NM_001407157.1 and 2 more transcripts); c.785C>G, p.Ser262Cys (NM_001407158.1, NM_001407159.1, NM_001407160.1 and 1 more transcripts); short protein forms S262C, S371C.
Identifiers: ClinVar variation 3623536 (VCV003623536.2).